The following is an entry in ClinVar:

NM_003805.5(CRADD):c.298+59132A>G

Gene: CRADD (CARD and death domain containing adaptor protein; plus strand). Cytogenetic location: 12q22.
Variant type: single nucleotide variant.
Coding change: c.298+59132A>G on transcript NM_003805.5 (MANE Select); 59132 bases into the intron after coding-DNA position 298, A replaced by G.
Molecular consequence: intron variant. On other transcripts: synonymous variant (1).
Genome position (GRCh38, 1-based): chr12:93,738,204, A>G. VCF-style: chr12-93738204-A-G. GRCh37 (hg19) VCF-style: chr12-94131980-A-G.
Other names: c.303A>G, p.Leu101= (NM_001330126.1); c.298+59132A>G (NM_001320100.2, NM_001320099.2); c.299-200A>G (NM_001320101.3).
Identifiers: ClinVar variation 2672514 (VCV002672514.23), dbSNP rs1432550433, ClinGen allele CA606961802.

ClinVar aggregate classification (germline): Likely benign (1 of 4 stars; one submission).

Submission:

CeGaT Center for Human Genetics Tuebingen
Classification: Likely benign. Last evaluated: 2023-11-01. Review status: criteria provided, single submitter. Criteria: CeGaT Center For Human Genetics Tuebingen Variant Classification Criteria Version 2. Collection method: clinical testing. Allele origin: germline. Affected: yes. Observed: 1 variant allele.
Comment: CRADD: BP4, BP7